The following is an entry in ClinVar:

ClinVar aggregate classification (germline): Likely pathogenic (1 of 4 stars; one submission).

Conditions:
Renal cysts and diabetes syndrome (RCAD). Also called: Familial hypoplastic, glomerulocystic kidney; MATURITY-ONSET DIABETES OF THE YOUNG, TYPE 5. Identifiers: Orphanet 93111, MedGen C0431693, MONDO:0007669, OMIM 137920.

Submission:

Institute of Human Genetics, FAU Erlangen, Friedrich-Alexander-Universität Erlangen-Nürnberg
Classification: Likely pathogenic for Renal cysts and diabetes syndrome. Last evaluated: 2019-07-06. Review status: criteria provided, single submitter. Criteria: ACMG Guidelines, 2015. Collection method: literature only. Allele origin: germline. Affected: yes.
Comment: This variant and it's classification has been reported by Vasileiou et al. 2019; DOI:10.1101/576918. The variants has previously been reported in PMID:28420700 as "c.1351T>A,p.Ser451Thr" with clinical significance Likely pathogenic. It has been re-classified using InterVar and manual curation as Likely pathogenic based on PM1 PM2 PP3 PP5.

Literature cited by the submitters: PubMed 28420700; DOI 10.1101/576918.

NM_000458.4(HNF1B):c.1351T>A (p.Ser451Thr)

Gene: HNF1B (HNF1 homeobox B; minus strand). Cytogenetic location: 17q12.
Variant type: single nucleotide variant.
Coding change: c.1351T>A on transcript NM_000458.4 (MANE Select); coding-DNA position 1351, T replaced by A.
Protein change: p.Ser451Thr; replaces serine 451 with threonine.
Molecular consequence: missense variant. On other transcripts: intron variant (1).
Genome position (GRCh38, 1-based): chr17:37,701,166, A>T on the plus strand (T>A on the coding strand, the complement: HNF1B is on the minus strand). VCF-style: chr17-37701166-A-T. GRCh37 (hg19) VCF-style: chr17-36061171-A-T.
Other names: c.1273T>A, p.Ser425Thr (NM_001165923.4); c.1261+3751T>A (NM_001304286.2); short protein forms S451T, S425T.
Identifiers: ClinVar variation 635589 (VCV000635589.1), dbSNP rs2511701146, ClinGen allele CA398756120.
Genomic context (GRCh38, chr17:37,701,166, plus strand): 5'-GCTGCAGGGCTGCCAGGCTGCCGGCCACACTGTTGATGACAGGGACACTCTGTGCTTGGG[A>T]GGTGTTGAGGCCTGTGGGAGCAAGAGGAAAAGATCACAGACAGCTCCTGGGATAAGGAGA-3'
Protein context (NP_000449.1, residues 441-461): VMAIAQSLNT[Ser451Thr]QAQSVPVINS